The following is an entry in ClinVar:

ClinVar aggregate classification (germline): Uncertain significance (1 of 4 stars; one submission).

Conditions:
Congenital hyperammonemia, type I. Also called: Carbamoyl-phosphate synthase I deficiency; CPS I DEFICIENCY; Carbamoyl phosphate synthetase 1 deficiency; Hyperammonemia due to carbamoyl phosphate synthetase 1 deficiency; CPS 1 deficiency; Carbamyl phosphate synthetase (CPS) deficiency. Identifiers: Orphanet 147, MedGen C4082171, MONDO:0009376, OMIM 237300.

Submission:

Labcorp Genetics (formerly Invitae), Labcorp
Classification: Uncertain significance for Congenital hyperammonemia, type I. Last evaluated: 2022-09-16. Review status: criteria provided, single submitter. Criteria: Invitae Variant Classification Sherloc (09022015). Collection method: clinical testing. Allele origin: germline.
Comment: This sequence change replaces leucine, which is neutral and non-polar, with proline, which is neutral and non-polar, at codon 1463 of the CPS1 protein (p.Leu1463Pro). In summary, the available evidence is currently insufficient to determine the role of this variant in disease. Therefore, it has been classified as a Variant of Uncertain Significance. Advanced modeling of protein sequence and biophysical properties (such as structural, functional, and spatial information, amino acid conservation, physicochemical variation, residue mobility, and thermodynamic stability) has been performed at Invitae for this missense variant, however the output from this modeling did not meet the statistical confidence thresholds required to predict the impact of this variant on CPS1 protein function. This variant has not been reported in the literature in individuals affected with CPS1-related conditions. This variant is not present in population databases (gnomAD no frequency).

NM_001875.5(CPS1):c.4388T>C (p.Leu1463Pro)

Gene: CPS1 (carbamoyl-phosphate synthase 1; plus strand). Cytogenetic location: 2q34.
Variant type: single nucleotide variant.
Coding change: c.4388T>C on transcript NM_001875.5 (MANE Select); coding-DNA position 4388, T replaced by C.
Protein change: p.Leu1463Pro; replaces leucine 1463 with proline.
Molecular consequence: missense variant. On other transcripts: non-coding transcript variant (2).
Genome position (GRCh38, 1-based): chr2:210,677,120, T>C. VCF-style: chr2-210677120-T-C. GRCh37 (hg19) VCF-style: chr2-211541844-T-C.
Other names: c.4388T>C, p.Leu1463Pro (NM_001122633.3, NM_001369257.1); c.4421T>C, p.Leu1474Pro (NM_001369256.1); short protein forms L1463P, L1474P.
Identifiers: ClinVar variation 1717613 (VCV001717613.5), dbSNP rs2469385830, ClinGen allele CA350441119.
Genomic context (GRCh38, chr2:210,677,120, plus strand): 5'-CTAAATTTGTCCATGATAATTATGTGATTCGGAGGACAGCTGTTGATAGTGGAATCCCTC[T>C]CCTCACTAATTTTCAGGTATAGTCTTTTCCTTGGATATAGACTGGATGGGAGTTTTATTT-3'
Protein context (NP_001866.2, residues 1453-1473): RRTAVDSGIP[Leu1463Pro]LTNFQVTKLF